The following is an entry in ClinVar:

NM_020964.3(EPG5):c.5929G>C (p.Glu1977Gln)

Gene: EPG5 (ectopic P-granules 5 autophagy tethering factor; minus strand). Cytogenetic location: 18q12.3.
Variant type: single nucleotide variant.
Coding change: c.5929G>C on transcript NM_020964.3 (MANE Select); coding-DNA position 5929, G replaced by C.
Protein change: p.Glu1977Gln; replaces glutamic acid 1977 with glutamine.
Molecular consequence: missense variant.
Genome position (GRCh38, 1-based): chr18:45,878,389, C>G on the plus strand (G>C on the coding strand, the complement: EPG5 is on the minus strand). VCF-style: chr18-45878389-C-G. GRCh37 (hg19) VCF-style: chr18-43458354-C-G.
Other names: short protein forms E1977Q.
Identifiers: ClinVar variation 1477842 (VCV001477842.6), dbSNP rs750230003, ClinGen allele CA8948440.

ClinVar aggregate classification (germline): Uncertain significance. Review status: criteria provided, multiple submitters, no conflicts (2 of 4 stars). 2 submissions from 2 submitters: Uncertain significance (2). Last evaluated 2025-11-03.

Conditions:
Vici syndrome (VICIS). Identifiers: Orphanet 1493, MedGen C1855772, MONDO:0009452, OMIM 242840.

Allele frequency attached by ClinVar (database versions not stated): ExAC 0.00001; TOPMed 0.00001.
gnomAD v4.1: 3 of 1,611,314 alleles (0.00019%); no homozygotes.

Submissions (2):

Labcorp Genetics (formerly Invitae), Labcorp
Classification: Uncertain significance for Vici syndrome. Last evaluated: 2025-11-03. Review status: criteria provided, single submitter. Criteria: Invitae Variant Classification Sherloc (09022015). Collection method: clinical testing. Allele origin: germline.
Comment: This sequence change replaces glutamic acid, which is acidic and polar, with glutamine, which is neutral and polar, at codon 1977 of the EPG5 protein (p.Glu1977Gln). This variant is present in population databases (rs750230003, gnomAD 0.006%). This variant has not been reported in the literature in individuals affected with EPG5-related conditions. ClinVar contains an entry for this variant (Variation ID: 1477842). Invitae Evidence Modeling of protein sequence and biophysical properties (such as structural, functional, and spatial information, amino acid conservation, physicochemical variation, residue mobility, and thermodynamic stability) indicates that this missense variant is not expected to disrupt EPG5 protein function with a negative predictive value of 80%. In summary, the available evidence is currently insufficient to determine the role of this variant in disease. Therefore, it has been classified as a Variant of Uncertain Significance.

Blueprint Genetics
Classification: Uncertain significance. Last evaluated: 2024-11-01. Review status: criteria provided, single submitter. Criteria: ACMG Guidelines, 2015. Collection method: clinical testing. Allele origin: germline.